The following is an entry in ClinVar:

ClinVar aggregate classification (germline): Conflicting classifications of pathogenicity. Review status: criteria provided, conflicting classifications (1 of 4 stars). 3 submissions from 3 submitters: Uncertain significance (1); Likely benign (2). Last evaluated 2024-09-26.

Conditions:
Melanoma, cutaneous malignant, susceptibility to, 3. Also called: Cutaneous malignant melanoma 3. Identifiers: Orphanet 618, MedGen C1836892, MONDO:0012183, OMIM 609048.
Familial melanoma. Also called: Hereditary melanoma; Hereditary cutaneous melanoma. Identifiers: Orphanet 618, MedGen C1512419, MONDO:0018961.

Submissions (3):

Myriad Genetics, Inc.
Classification: Likely benign for Melanoma, cutaneous malignant, susceptibility to, 3. Last evaluated: 2024-09-26. Review status: criteria provided, single submitter. Criteria: Myriad Autosomal Dominant, Autosomal Recessive and X-Linked Classification Criteria (2023). Collection method: clinical testing. Allele origin: unknown.
Comment: This variant is considered likely benign. This variant is intronic and is not expected to impact mRNA splicing.

Quest Diagnostics Nichols Institute San Juan Capistrano
Classification: Uncertain significance. Last evaluated: 2023-03-30. Review status: criteria provided, single submitter. Criteria: Quest Diagnostics criteria. Collection method: clinical testing. Allele origin: unknown.
Comment: To the best of our knowledge, the variant has not been reported in the published literature. The frequency of this variant in the general population, 0.000004 (1/250068 chromosomes), is uninformative in assessment of its pathogenicity. Analysis of this variant using software algorithms for the prediction of the effect of nucleotide changes on splicing yielded predictions that this variant does not affect CDK4 mRNA splicing . Based on the available information, we are unable to determine the clinical significance of this variant.

Labcorp Genetics (formerly Invitae), Labcorp
Classification: Likely benign for Familial melanoma. Last evaluated: 2022-12-21. Review status: criteria provided, single submitter. Criteria: Invitae Variant Classification Sherloc (09022015). Collection method: clinical testing. Allele origin: germline.

NM_000075.4(CDK4):c.819+7del

Genes: TSPAN31 (tetraspanin 31; plus strand), CDK4 (cyclin dependent kinase 4; minus strand). Cytogenetic location: 12q14.1.
Variant type: Deletion.
Coding change: c.819+7del on transcript NM_000075.4 (MANE Select); 7 bases into the intron after coding-DNA position 819, one base deleted (G; older notation c.819+7delG).
Molecular consequence: intron variant. On other transcripts: 3 prime UTR variant (3).
Genome position (GRCh38, 1-based): chr12:57,749,175, C deleted on the plus strand (G on the coding strand, the reverse complement: CDK4 is on the minus strand); the first of 2 consecutive C bases (chr12:57,749,175-57,749,176); deleting either gives the same sequence. VCF-style (leftmost placement, unchanged base first): chr12-57749174-TC-T. GRCh37 (hg19) VCF-style: chr12-58142957-TC-T.
Other names: c.819+7delG (NM_000075.3); c.*1886del (NM_005981.5, NM_001330168.2, NM_001330169.2).
Identifiers: ClinVar variation 532302 (VCV000532302.10), dbSNP rs1217545832, ClinGen allele CA605326897.